The following is an entry in ClinVar:

NM_024537.4(CARS2):c.1317+24T>C

Gene: CARS2 (cysteinyl-tRNA synthetase 2, mitochondrial; minus strand). Cytogenetic location: 13q34.
Variant type: single nucleotide variant.
Coding change: c.1317+24T>C on transcript NM_024537.4 (MANE Select); 24 bases into the intron after coding-DNA position 1317, T replaced by C.
Molecular consequence: intron variant.
Genome position (GRCh38, 1-based): chr13:110,645,943, A>G on the plus strand (T>C on the coding strand, the complement: CARS2 is on the minus strand). VCF-style: chr13-110645943-A-G. GRCh37 (hg19) VCF-style: chr13-111298290-A-G.
Other names: c.531+24T>C (NM_001352252.2).
Identifiers: ClinVar variation 675514 (VCV000675514.2), dbSNP rs114840063, ClinGen allele CA7051838.

ClinVar aggregate classification (germline): Likely benign. Review status: criteria provided, multiple submitters, no conflicts (2 of 4 stars). 2 submissions from 2 submitters: Likely benign (2). Last evaluated 2018-06-16.

Allele frequency attached by ClinVar (database versions not stated): gnomAD exomes 0.00091 and 0.00226; ExAC 0.00268; gnomAD 0.00965 and 0.01047; 1000 Genomes Project 0.00998; 1000 Genomes Project 30x 0.00999; ESP Exome Variant Server 0.01015; TOPMed 0.01075.
gnomAD v4.1: 2,878 of 1,608,166 alleles (0.18%); highest among the groups gnomAD compares: African/African-American, 3.3%; 47 homozygotes.

Submissions (2):

GeneDx
Classification: Likely benign. Last evaluated: 2018-06-16. Review status: criteria provided, single submitter. Criteria: GeneDx Variant Classification (06012015). Collection method: clinical testing. Allele origin: germline. Affected: yes.
Comment: This variant is considered likely benign or benign based on one or more of the following criteria: it is a conservative change, it occurs at a poorly conserved position in the protein, it is predicted to be benign by multiple in silico algorithms, and/or has population frequency not consistent with disease.

Breakthrough Genomics
Classification: Likely benign. Review status: criteria provided, single submitter. Criteria: ACMG Guidelines, 2015. Collection method: not provided. Allele origin: germline. Inheritance: Autosomal recessive inheritance. Affected: yes.